The following is an entry in ClinVar:

NM_001267550.2(TTN):c.105557T>C (p.Phe35186Ser)

Genes: TTN (titin; minus strand), TTN-AS1 (TTN antisense RNA 1; plus strand), LOC129935184 (ATAC-STARR-seq lymphoblastoid active region 16809; plus strand). Cytogenetic location: 2q31.2.
Variant type: single nucleotide variant.
Coding change: c.105557T>C on transcript NM_001267550.2 (MANE Select); coding-DNA position 105557, T replaced by C.
Protein change: p.Phe35186Ser; replaces phenylalanine 35186 with serine.
Molecular consequence: missense variant.
Genome position (GRCh38, 1-based): chr2:178,531,058, A>G on the plus strand (T>C on the coding strand, the complement: TTN is on the minus strand). VCF-style: chr2-178531058-A-G. GRCh37 (hg19) VCF-style: chr2-179395785-A-G.
Other names: c.100634T>C, p.Phe33545Ser (NM_001256850.1); c.78362T>C, p.Phe26121Ser (NM_003319.4); c.97853T>C, p.Phe32618Ser (NM_133378.4); c.78737T>C, p.Phe26246Ser (NM_133432.3); c.78938T>C, p.Phe26313Ser (NM_133437.4); short protein forms F26313S, F33545S, F35186S, F26121S, F26246S, F32618S.
Identifiers: ClinVar variation 2024888 (VCV002024888.4), dbSNP rs758159045, ClinGen allele CA1985237.

ClinVar aggregate classification (germline): Uncertain significance (1 of 4 stars; one submission).

Conditions:
Autosomal recessive limb-girdle muscular dystrophy type 2J (LGMDR10). Also called: Limb-girdle muscular dystrophy, type 2J; MUSCULAR DYSTROPHY, LIMB-GIRDLE, AUTOSOMAL RECESSIVE 10. Identifiers: Orphanet 140922, MedGen C1837342, MONDO:0012127, OMIM 608807.
Dilated cardiomyopathy 1G (CMD1G). Identifiers: Orphanet 154, MedGen C1858763, MONDO:0011400, OMIM 604145.

Allele frequency attached by ClinVar (database versions not stated): ExAC 0.00001; gnomAD exomes 0.00001.
gnomAD v4.1: 10 of 1,613,844 alleles (0.00062%); highest among the groups gnomAD compares: South Asian, 0.0055%; no homozygotes.

Submission:

Labcorp Genetics (formerly Invitae), Labcorp
Classification: Uncertain significance for Dilated cardiomyopathy 1G; Autosomal recessive limb-girdle muscular dystrophy type 2J. Last evaluated: 2022-08-19. Review status: criteria provided, single submitter. Criteria: Invitae Variant Classification Sherloc (09022015). Collection method: clinical testing. Allele origin: germline.
Comment: This variant is located in the M band of TTN (PMID: 25589632). Variants in this region may be relevant for neuromuscular disorders, but have not been definitively shown to cause cardiomyopathy (PMID: 23975875). In summary, the available evidence is currently insufficient to determine the role of this variant in disease. Therefore, it has been classified as a Variant of Uncertain Significance. Experimental studies and prediction algorithms are not available or were not evaluated, and the functional significance of this variant is currently unknown. This variant has not been reported in the literature in individuals affected with TTN-related conditions. This variant is present in population databases (rs758159045, gnomAD 0.01%). This sequence change replaces phenylalanine, which is neutral and non-polar, with serine, which is neutral and polar, at codon 35186 of the TTN protein (p.Phe35186Ser).

Literature cited by the submitters: PubMed 25589632; PubMed 23975875.